The following is an entry in ClinVar:

NM_001080.3(ALDH5A1):c.106G>C (p.Gly36Arg)

Genes: ALDH5A1 (aldehyde dehydrogenase 5 family member A1; plus strand), GPLD1 (glycosylphosphatidylinositol specific phospholipase D1; minus strand), LOC129995978 (ATAC-STARR-seq lymphoblastoid silent region 16989; plus strand). Cytogenetic location: 6p22.3.
Variant type: single nucleotide variant.
Coding change: c.106G>C on transcript NM_001080.3 (MANE Select); coding-DNA position 106, G replaced by C.
Protein change: p.Gly36Arg; replaces glycine 36 with arginine.
Molecular consequence: missense variant.
Genome position (GRCh38, 1-based): chr6:24,495,102, G>C. VCF-style: chr6-24495102-G-C. GRCh37 (hg19) VCF-style: chr6-24495330-G-C.
Other names: c.106G>C, p.Gly36Arg (NM_001368954.1, NM_170740.1); short protein forms G36R.
Identifiers: ClinVar variation 285783 (VCV000285783.21), dbSNP rs4646832, ClinGen allele CA3656572.

ClinVar aggregate classification (germline): Benign. Review status: criteria provided, multiple submitters, no conflicts (2 of 4 stars). 6 submissions from 6 submitters: Benign (5). 1 of the submissions does not count toward it. Last evaluated 2026-02-03.

Conditions:
ALDH5A1-related disorder. Also called: ALDH5A1-related condition.
Succinate-semialdehyde dehydrogenase deficiency (SSADHD). Also called: Succinic Semialdehyde Dehydrogenase Deficiency; SSADH DEFICIENCY; 4-HYDROXYBUTYRIC ACIDURIA; GABA METABOLIC DEFECT. Identifiers: Orphanet 22, MedGen C0268631, MONDO:0010083, OMIM 271980.

Allele frequency attached by ClinVar (database versions not stated): gnomAD 0.02421 and 0.02719; TOPMed 0.02638; gnomAD exomes 0.04067; 1000 Genomes Project 30x 0.04825; 1000 Genomes Project 0.04952; ExAC 0.15214.
gnomAD v4.1: 36,790 of 1,315,212 alleles (2.8%); highest among the groups gnomAD compares: East Asian, 10%; 855 homozygotes.

Submissions (6):

Labcorp Genetics (formerly Invitae), Labcorp
Classification: Benign for Succinate-semialdehyde dehydrogenase deficiency. Last evaluated: 2026-02-03. Review status: criteria provided, single submitter. Criteria: Invitae Variant Classification Sherloc (09022015). Collection method: clinical testing. Allele origin: germline.

Mayo Clinic Laboratories, Mayo Clinic
Classification: Benign. Last evaluated: 2023-02-01. Review status: criteria provided, single submitter. Criteria: ACMG Guidelines, 2015. Collection method: clinical testing. Allele origin: germline. Observed: 36 variant alleles.
Comment: BA1, BP4

GeneDx
Classification: Benign. Last evaluated: 2018-07-17. Review status: criteria provided, single submitter. Criteria: GeneDx Variant Classification Process June 2021. Collection method: clinical testing. Allele origin: germline. Affected: yes.
Comment: This variant is associated with the following publications: (PMID: 19164088, 27056292)

Illumina Laboratory Services, Illumina
Classification: Benign for Succinate-semialdehyde dehydrogenase deficiency. Last evaluated: 2018-01-13. Review status: criteria provided, single submitter. Criteria: ICSL Variant Classification Criteria 13 December 2019. Collection method: clinical testing. Allele origin: germline.
Comment: This variant was observed in the ICSL laboratory as part of a predisposition screen in an ostensibly healthy population. It had not been previously curated by ICSL or reported in the Human Gene Mutation Database (HGMD: prior to June 1st, 2018), and was therefore a candidate for classification through an automated scoring system. Utilizing variant allele frequency, disease prevalence and penetrance estimates, and inheritance mode, an automated score was calculated to assess if this variant is too frequent to cause the disease. Based on the score and internal cut-off values, a variant classified as benign is not then subjected to further curation. The score for this variant resulted in a classification of benign for this disease.

Eurofins Ntd Llc (ga)
Classification: Benign. Last evaluated: 2016-01-29. Review status: criteria provided, single submitter. Criteria: EGL Classification Definitions 2015. Collection method: clinical testing. Allele origin: germline. Observed: 18 variant alleles, 17 heterozygotes, 1 homozygote.

PreventionGenetics, part of Exact Sciences
Classification: Benign for ALDH5A1-related condition. Last evaluated: 2020-01-07. Review status: no assertion criteria provided. Collection method: clinical testing. Allele origin: germline. Not counted in ClinVar's aggregate classification.
Comment: This variant is classified as benign based on ACMG/AMP sequence variant interpretation guidelines (Richards et al. 2015 PMID: 25741868, with internal and published modifications).

Literature cited by the submitters: PubMed 12208142 (cited by Mayo Clinic Laboratories, Mayo Clinic); PubMed 14635103 (cited by Mayo Clinic Laboratories, Mayo Clinic); PubMed 19164088 (cited by Mayo Clinic Laboratories, Mayo Clinic); PubMed 27056292 (cited by Mayo Clinic Laboratories, Mayo Clinic); PubMed 32093054 (cited by Mayo Clinic Laboratories, Mayo Clinic); PubMed 32575506 (cited by Mayo Clinic Laboratories, Mayo Clinic).